The following is an entry in ClinVar:

ClinVar aggregate classification (germline): Likely benign. Review status: criteria provided, multiple submitters, no conflicts (2 of 4 stars). 2 submissions from 2 submitters: Likely benign (2). Last evaluated 2026-05-28.

Conditions:
VPS13B-related disorder. Also called: VPS13B-related condition.
Cohen syndrome (COH1). Also called: PEPPER SYNDROME; Cutis verticis gyrata, retinitis pigmentosa, and sensorineural deafness. Identifiers: Orphanet 193, MedGen C0265223, MONDO:0008999, OMIM 216550.

Allele frequency attached by ClinVar (database versions not stated): TOPMed below 0.00001; ExAC 0.00001.

Submissions (2):

PreventionGenetics, part of Exact Sciences
Classification: Likely benign for VPS13B-related condition. Last evaluated: 2026-05-28. Review status: criteria provided, single submitter. Criteria: ACMG Guidelines, 2015. Collection method: clinical testing. Allele origin: germline.
Comment: This variant is classified as likely benign based on ACMG/AMP sequence variant interpretation guidelines (Richards et al. 2015 PMID: 25741868, with internal and published modifications).

Labcorp Genetics (formerly Invitae), Labcorp
Classification: Likely benign for Cohen syndrome. Last evaluated: 2023-09-19. Review status: criteria provided, single submitter. Criteria: Invitae Variant Classification Sherloc (09022015). Collection method: clinical testing. Allele origin: germline.

NM_152564.5(VPS13B):c.1761T>C (p.Asp587=)

Gene: VPS13B (vacuolar protein sorting 13 homolog B; plus strand). Cytogenetic location: 8q22.2.
Variant type: single nucleotide variant.
Coding change: c.1761T>C on transcript NM_152564.5 (MANE Select); coding-DNA position 1761, T replaced by C.
Protein change: p.Asp587=; no amino-acid change (aspartic acid 587 retained).
Molecular consequence: synonymous variant.
Genome position (GRCh38, 1-based): chr8:99,143,083, T>C. VCF-style: chr8-99143083-T-C. GRCh37 (hg19) VCF-style: chr8-100155311-T-C.
Other names: c.1761T>C, p.Asp587= (NM_015243.3, NM_017890.5).
Identifiers: ClinVar variation 2890220 (VCV002890220.4), dbSNP rs774331387, ClinGen allele CA4822734.